The following is an entry in ClinVar:

NM_002473.6(MYH9):c.626G>A (p.Arg209Gln)

Gene: MYH9 (myosin heavy chain 9; minus strand). Cytogenetic location: 22q12.3.
Variant type: single nucleotide variant.
Coding change: c.626G>A on transcript NM_002473.6 (MANE Select); coding-DNA position 626, G replaced by A.
Protein change: p.Arg209Gln; replaces arginine 209 with glutamine.
Molecular consequence: missense variant.
Genome position (GRCh38, 1-based): chr22:36,322,508, C>T on the plus strand (G>A on the coding strand, the complement: MYH9 is on the minus strand). VCF-style: chr22-36322508-C-T. GRCh37 (hg19) VCF-style: chr22-36718553-C-T.
Other names: short protein forms R209Q.
Identifiers: ClinVar variation 1712637 (VCV001712637.8), dbSNP rs780693982, ClinGen allele CA10210529.

ClinVar aggregate classification (germline): Conflicting classifications of pathogenicity. Review status: criteria provided, conflicting classifications (1 of 4 stars). 5 submissions from 5 submitters: Uncertain significance (4); Benign (1). Last evaluated 2025-04-16.

Conditions:
MYH9-related disorder. Identifiers: MedGen C1854520.
Macrothrombocytopenia and granulocyte inclusions with or without nephritis or sensorineural hearing loss (MATINS). Also called: MYH9-Related Disease (MYH9-RD); MAY-HEGGLIN ANOMALY; DOHLE LEUKOCYTE INCLUSIONS WITH GIANT PLATELETS; MACROTHROMBOCYTOPENIA WITH LEUKOCYTE INCLUSIONS; BLEEDING DISORDER, PLATELET-TYPE, 6; SEBASTIAN PLATELET SYNDROME. Identifiers: Orphanet 182050, MedGen C5200934, MONDO:0015912, OMIM 155100.
Autosomal dominant nonsyndromic hearing loss 17. Also called: Deafness, autosomal dominant 17; Autosomal dominant nonsyndromic deafness 17. Identifiers: Orphanet 90635, MedGen C1863659, MONDO:0011350, OMIM 603622.

Allele frequency attached by ClinVar (database versions not stated): gnomAD exomes 0.00001; ExAC 0.00003.
gnomAD v4.1: 10 of 1,613,660 alleles (0.00062%); highest among the groups gnomAD compares: Admixed American, 0.0083%; no homozygotes.

Submissions (5):

ARUP Laboratories, Molecular Genetics and Genomics, ARUP Laboratories
Classification: Uncertain significance. Last evaluated: 2025-04-16. Review status: criteria provided, single submitter. Criteria: ARUP Molecular Germline Variant Investigation Process 2024. Collection method: clinical testing. Allele origin: germline.
Comment: The MYH9 c.626G>A; p.Arg209Gln variant (rs780693982), to our knowledge, is not reported in the medical literature but is reported in ClinVar (Variation ID: 1712637). This variant is only observed on five alleles in the Genome Aggregation Database (v2.1.1), indicating it is not a common polymorphism. Computational analyses predict that this variant is neutral (REVEL: 0.097). Due to limited information, the clinical significance of this variant is uncertain at this time.

PreventionGenetics, part of Exact Sciences
Classification: Uncertain significance for MYH9-related condition. Last evaluated: 2025-01-14. Review status: criteria provided, single submitter. Criteria: ACMG Guidelines, 2015. Collection method: clinical testing. Allele origin: germline.
Comment: The MYH9 c.626G>A variant is predicted to result in the amino acid substitution p.Arg209Gln. To our knowledge, this variant has not been reported in the literature. This variant is reported in 0.012% of alleles in individuals of Latino descent in gnomAD. At this time, the clinical significance of this variant is uncertain due to the absence of conclusive functional and genetic evidence.

Fulgent Genetics
Classification: Uncertain significance for Macrothrombocytopenia and granulocyte inclusions with or without nephritis or sensorineural hearing loss; Autosomal dominant nonsyndromic hearing loss 17. Last evaluated: 2024-04-05. Review status: criteria provided, single submitter. Criteria: ACMG Guidelines, 2015. Collection method: clinical testing. Allele origin: germline.

Labcorp Genetics (formerly Invitae), Labcorp
Classification: Benign. Last evaluated: 2023-07-08. Review status: criteria provided, single submitter. Criteria: Invitae Variant Classification Sherloc (09022015). Collection method: clinical testing. Allele origin: germline.

GeneDx
Classification: Uncertain significance. Last evaluated: 2022-04-29. Review status: criteria provided, single submitter. Criteria: GeneDx Variant Classification Process June 2021. Collection method: clinical testing. Allele origin: germline. Affected: yes.
Comment: In silico analysis supports that this missense variant does not alter protein structure/function; Has not been previously published as pathogenic or benign to our knowledge